The following is an entry in ClinVar:

NM_172107.2(KCNQ2):c.388-682_1118+?del

Gene: KCNQ2 (potassium voltage-gated channel subfamily Q member 2; minus strand). Cytogenetic location: 20q13.33.
Variant type: Deletion.
Coding change: c.388-682_1118+?del on transcript NM_172107.2.
Identifiers: ClinVar variation 369749 (VCV000369749.1).

ClinVar aggregate classification (germline): Pathogenic (0 of 4 stars; one submission).

Conditions:
Seizures, benign familial neonatal, 1. Also called: KCNQ2-Related Benign Familial Neonatal Epilepsy; Benign Neonatal Epilepsy 1; KCNQ2-Related Self-Limited Familial Neonatal Epilepsy (SLFNE); Seizures, benign neonatal, 1. Identifiers: Orphanet 1949, MedGen C3149074, MONDO:0007365, OMIM 121200.

Submission:

GeneReviews
Classification: Pathogenic for Seizures, benign familial neonatal, 1. Last evaluated: 2016-03-31. Review status: no assertion criteria provided. Collection method: literature only. Allele origin: germline. Affected: yes.
Comment: BFNE (benign familial neonatal epilepsy)

This is a submicroscopic deletion and the exact boundaries have not been determined.

Literature cited by the submitters: PubMed 25982755.